The following is an entry in ClinVar:

NM_005993.5(TBCD):c.649C>T (p.Arg217Cys)

Gene: TBCD (tubulin folding cofactor D). Cytogenetic location: 17q25.3.
Variant type: single nucleotide variant.
Coding change: c.649C>T on transcript NM_005993.5 (MANE Select); coding-DNA position 649, C replaced by T.
Protein change: p.Arg217Cys; replaces arginine 217 with cysteine.
Molecular consequence: missense variant.
Genome position (GRCh38, 1-based): chr17:82,781,599, C>T. VCF-style: chr17-82781599-C-T. GRCh37 (hg19) VCF-style: chr17-80739475-C-T.
Other names: c.598C>T, p.Arg200Cys (NM_001411101.1); c.649C>T, p.Arg217Cys (NM_001411102.1); short protein forms R200C, R217C.
Identifiers: ClinVar variation 1714106 (VCV001714106.5), dbSNP rs755109975, ClinGen allele CA8861708.

ClinVar aggregate classification (germline): Uncertain significance (1 of 4 stars; one submission).

Allele frequency attached by ClinVar (database versions not stated): gnomAD exomes below 0.00001; ExAC 0.00001.
gnomAD v4.1: 4 of 1,613,618 alleles (0.00025%); highest among the groups gnomAD compares: South Asian, 0.0022%; no homozygotes.

Submission:

Labcorp Genetics (formerly Invitae), Labcorp
Classification: Uncertain significance. Last evaluated: 2023-05-22. Review status: criteria provided, single submitter. Criteria: Invitae Variant Classification Sherloc (09022015). Collection method: clinical testing. Allele origin: germline.
Comment: In summary, the available evidence is currently insufficient to determine the role of this variant in disease. Therefore, it has been classified as a Variant of Uncertain Significance. ClinVar contains an entry for this variant (Variation ID: 1714106). Advanced modeling of protein sequence and biophysical properties (such as structural, functional, and spatial information, amino acid conservation, physicochemical variation, residue mobility, and thermodynamic stability) performed at Invitae indicates that this missense variant is expected to disrupt TBCD protein function. This sequence change replaces arginine, which is basic and polar, with cysteine, which is neutral and slightly polar, at codon 217 of the TBCD protein (p.Arg217Cys). This variant is present in population databases (rs755109975, gnomAD 0.0009%). This variant has not been reported in the literature in individuals affected with TBCD-related conditions.